The following is an entry in ClinVar:

NM_020911.2(PLXNA4):c.1371+4304G>A

Gene: PLXNA4 (plexin A4; minus strand). Cytogenetic location: 7q32.3.
Variant type: single nucleotide variant.
Coding change: c.1371+4304G>A on transcript NM_020911.2 (MANE Select); 4304 bases into the intron after coding-DNA position 1371, G replaced by A.
Molecular consequence: intron variant. On other transcripts: missense variant (1).
Genome position (GRCh38, 1-based): chr7:132,484,988, C>T on the plus strand (G>A on the coding strand, the complement: PLXNA4 is on the minus strand). VCF-style: chr7-132484988-C-T. GRCh37 (hg19) VCF-style: chr7-132169747-C-T.
Other names: c.1397G>A, p.Gly466Glu (NM_181775.4); c.1371+4304G>A (NM_001393897.1, NM_001105543.2); short protein forms G466E.
Identifiers: ClinVar variation 3355535 (VCV003355535.1).

ClinVar aggregate classification (germline): Uncertain significance (0 of 4 stars; one submission).

Conditions:
PLXNA4-related disorder. Also called: PLXNA4-related condition.

gnomAD v4.1: 1 of 1,614,156 alleles (0.000062%); highest among the groups gnomAD compares: Admixed American, 0.0017%; no homozygotes.

Submission:

PreventionGenetics, part of Exact Sciences
Classification: Uncertain significance for PLXNA4-related condition. Last evaluated: 2024-01-17. Review status: no assertion criteria provided. Collection method: clinical testing. Allele origin: germline.
Comment: The PLXNA4 c.1397G>A variant is predicted to result in the amino acid substitution p.Gly466Glu. To our knowledge, this variant has not been reported in the literature. This variant is reported in 0.0029% of alleles in individuals of Latino descent in gnomAD. At this time, the clinical significance of this variant is uncertain due to the absence of conclusive functional and genetic evidence.